The following is an entry in ClinVar:

ClinVar aggregate classification (germline): Likely benign. Review status: criteria provided, single submitter (1 of 4 stars). 3 submissions from 3 submitters: Likely benign (1). 2 of the submissions do not count toward it. Last evaluated 2025-12-14.

Conditions:
PEX7-related disorder. Also called: PEX7-related condition; PEX7-related disorders. Identifiers: MedGen CN239409.
Peroxisome biogenesis disorder 9B. Also called: PEX7-Related Refsum Disease; PEROXISOME BIOGENESIS DISORDER, PEX7-RELATED, ATYPICAL; Refsum disease, adult, 2. Identifiers: Orphanet 773, MedGen C2749346, MONDO:0013945, OMIM 614879.
Rhizomelic chondrodysplasia punctata (RCDP). Identifiers: Orphanet 177, MedGen C0282529, MONDO:0015776. Disease mechanism: loss of function.

Allele frequency attached by ClinVar (database versions not stated): TOPMed below 0.00001; gnomAD exomes 0.00002.

Submissions (3):

Labcorp Genetics (formerly Invitae), Labcorp
Classification: Likely benign for Peroxisome biogenesis disorder 9B. Last evaluated: 2025-12-14. Review status: criteria provided, single submitter. Criteria: Invitae Variant Classification Sherloc (09022015). Collection method: clinical testing. Allele origin: germline.

Natera, Inc.
Classification: Uncertain significance for Rhizomelic Chondrodysplasia Punctata. Last evaluated: 2025-05-26. Review status: no assertion criteria provided. Collection method: clinical testing. Allele origin: germline. Not counted in ClinVar's aggregate classification.

PreventionGenetics, part of Exact Sciences
Classification: Likely benign for PEX7-related condition. Last evaluated: 2022-10-12. Review status: no assertion criteria provided. Collection method: clinical testing. Allele origin: germline. Not counted in ClinVar's aggregate classification.
Comment: This variant is classified as likely benign based on ACMG/AMP sequence variant interpretation guidelines (Richards et al. 2015 PMID: 25741868, with internal and published modifications).

NM_000288.4(PEX7):c.111G>A (p.Ala37=)

Gene: PEX7 (peroxisomal biogenesis factor 7; plus strand). Cytogenetic location: 6q23.3.
Variant type: single nucleotide variant.
Coding change: c.111G>A on transcript NM_000288.4 (MANE Select); coding-DNA position 111, G replaced by A.
Protein change: p.Ala37=; no amino-acid change (alanine 37 retained).
Molecular consequence: synonymous variant.
Genome position (GRCh38, 1-based): chr6:136,822,776, G>A. VCF-style: chr6-136822776-G-A. GRCh37 (hg19) VCF-style: chr6-137143914-G-A.
Other names: c.111G>A (NM_000288.3).
Identifiers: ClinVar variation 1096887 (VCV001096887.12), dbSNP rs1434570255, ClinGen allele CA452374735.